The following is an entry in ClinVar:

ClinVar aggregate classification (germline): Pathogenic/Likely pathogenic. Review status: criteria provided, multiple submitters, no conflicts (2 of 4 stars). 3 submissions from 3 submitters: Pathogenic (2); Likely pathogenic (1). Last evaluated 2026-09-08.

Conditions:
Fabry disease. Also called: Fabry's disease; ANDERSON-FABRY DISEASE; CERAMIDE TRIHEXOSIDASE DEFICIENCY; Angiokeratoma corporis diffusum; GLA DEFICIENCY; HEREDITARY DYSTOPIC LIPIDOSIS. Identifiers: Orphanet 324, MedGen C0002986, MONDO:0010526, OMIM 301500, HP:0001071. Disease mechanism: loss of function, Fabry disease is due to inactivating mutations in the X-linked GLA gene resulting in deficiency of the enzyme Alpha Galactosidase-A..

Submissions (3):

Genomenon, Inc
Classification: Pathogenic for Fabry disease. Last evaluated: 2026-09-08. Review status: criteria provided, single submitter. Criteria: Genomenon Sequence Variant Interpretation Standards - Updated. Collection method: curation. Allele origin: germline. Affected: yes.
Comment: GLA p.Cys52Gly (c.154T>G) is a missense variant that changes the amino acid at codon 52 from Cysteine to Glycine. This variant has been observed in at least one proband with clinical features consistent with Fabry disease (PMID:21804088;28736719;29535138;27657681;29853467;23474038). At least one functional study has demonstrated a substantial alteration in protein function relative to the wild-type (PMID:23474038;27657681). This variant is located in a mutational hotspot and/or important functional domain. It is absent or not present at a significant frequency in gnomAD. In silico models predict that this variant is possibly or probably damaging. In conclusion, we classify GLA p.Cys52Gly (c.154T>G) as a pathogenic variant.

Genetics Laboratory, Great Ormond Street Hospital NHS Foundation Trust, North Thames Genomic Laboratory Hub
Classification: Pathogenic for Fabry disease. Last evaluated: 2025-09-19. Review status: criteria provided, single submitter. Criteria: ACGS Best Practice Guidelines for Variant Classification in Rare Disease 2024 v1.2. Collection method: clinical testing. Allele origin: germline. Affected: yes.
Comment: PS4_moderate, PM2_moderate, PP3_supporting, PM5_moderate, PP4_strong

Women's Health and Genetics/Laboratory Corporation of America, LabCorp
Classification: Likely pathogenic for Fabry disease. Last evaluated: 2019-08-06. Review status: criteria provided, single submitter. Criteria: LabCorp Variant Classification Summary - May 2015. Collection method: clinical testing. Allele origin: germline.
Comment: Variant summary: GLA c.154T>G (p.Cys52Gly) results in a non-conservative amino acid change in the encoded protein sequence. Five of five in-silico tools predict a damaging effect of the variant on protein function. The variant was absent in 183425 control chromosomes (gnomAD). c.154T>G has been reported in the literature in individuals affected with Fabry Disease (Benjamin_2017, Cruz_2011, Warnock_2012). These data indicate that the variant may be associated with disease. In addition, other missense changes at this position, C52R, C52S, C52W, C52Y, and nearby, F50C, M51I, M51K, N53D, N53K, have been reported to be associated with Fabry Disease. Therefore, suggesting this region is important for protein function. To our knowledge, no experimental evidence demonstrating an impact on protein function has been reported. No clinical diagnostic laboratories have submitted clinical-significance assessments for this variant to ClinVar after 2014. Based on the evidence outlined above, the variant was classified as likely pathogenic.

Literature cited by the submitters: PubMed 21804088 (cited by Genomenon, Inc and Women's Health and Genetics/Laboratory Corporation of America, LabCorp); PubMed 28736719 (cited by Genomenon, Inc); PubMed 29535138 (cited by Genomenon, Inc); PubMed 27657681 (cited by Genomenon, Inc and Women's Health and Genetics/Laboratory Corporation of America, LabCorp); PubMed 29853467 (cited by Genomenon, Inc); PubMed 23474038 (cited by Genomenon, Inc); PubMed 25382311 (cited by Women's Health and Genetics/Laboratory Corporation of America, LabCorp); PubMed 22472932 (cited by Women's Health and Genetics/Laboratory Corporation of America, LabCorp).

NM_000169.3(GLA):c.154T>G (p.Cys52Gly)

Genes: GLA (galactosidase alpha; minus strand), RPL36A-HNRNPH2 (RPL36A-HNRNPH2 readthrough; plus strand). Cytogenetic location: Xq22.1.
Variant type: single nucleotide variant.
Coding change: c.154T>G on transcript NM_000169.3 (MANE Select); coding-DNA position 154, T replaced by G.
Protein change: p.Cys52Gly; replaces cysteine 52 with glycine.
Molecular consequence: missense variant. On other transcripts: non-coding transcript variant (3), intron variant (2).
Genome position (GRCh38, 1-based): chrX:101,407,750, A>C on the plus strand (T>G on the coding strand, the complement: GLA is on the minus strand). VCF-style: chrX-101407750-A-C. GRCh37 (hg19) VCF-style: chrX-100662738-A-C.
Other names: c.154T>G, p.Cys52Gly (NM_001406747.1, NM_001406748.1, NM_001406749.1); c.301-4186A>C (NM_001199973.2); c.178-4186A>C (NM_001199974.2); short protein forms C52G.
Identifiers: ClinVar variation 928955 (VCV000928955.4), dbSNP rs1057521047, ClinGen allele CA413936907.